The following is an entry in ClinVar:

NM_031935.3(HMCN1):c.7187T>C (p.Ile2396Thr)

Gene: HMCN1 (hemicentin 1; plus strand). Cytogenetic location: 1q31.1.
Variant type: single nucleotide variant.
Coding change: c.7187T>C on transcript NM_031935.3 (MANE Select); coding-DNA position 7187, T replaced by C.
Protein change: p.Ile2396Thr; replaces isoleucine 2396 with threonine.
Molecular consequence: missense variant.
Genome position (GRCh38, 1-based): chr1:186,057,276, T>C. VCF-style: chr1-186057276-T-C. GRCh37 (hg19) VCF-style: chr1-186026408-T-C.
Other names: short protein forms I2396T.
Identifiers: ClinVar variation 1716579 (VCV001716579.5), dbSNP rs2527731102, ClinGen allele CA343903493.

ClinVar aggregate classification (germline): Uncertain significance (1 of 4 stars; one submission).

Submission:

Labcorp Genetics (formerly Invitae), Labcorp
Classification: Uncertain significance. Last evaluated: 2024-11-03. Review status: criteria provided, single submitter. Criteria: Invitae Variant Classification Sherloc (09022015). Collection method: clinical testing. Allele origin: germline.
Comment: This sequence change replaces isoleucine, which is neutral and non-polar, with threonine, which is neutral and polar, at codon 2396 of the HMCN1 protein (p.Ile2396Thr). This variant is not present in population databases (gnomAD no frequency). This variant has not been reported in the literature in individuals affected with HMCN1-related conditions. ClinVar contains an entry for this variant (Variation ID: 1716579). An algorithm developed to predict the effect of missense changes on protein structure and function (PolyPhen-2) suggests that this variant is likely to be disruptive. In summary, the available evidence is currently insufficient to determine the role of this variant in disease. Therefore, it has been classified as a Variant of Uncertain Significance.